The following is an entry in ClinVar:

ClinVar aggregate classification (germline): Uncertain significance. Review status: criteria provided, multiple submitters, no conflicts (2 of 4 stars). 4 submissions from 4 submitters: Uncertain significance (4). Last evaluated 2025-06-30.

Conditions:
Hereditary skin disorder. Also called: Genetic skin disorder. Identifiers: MedGen CN323672, MONDO:0100118.
Hereditary cancer-predisposing syndrome. Also called: Neoplastic Syndromes, Hereditary; Hereditary Cancer Syndrome; Hereditary neoplastic syndrome; Tumor predisposition. Identifiers: Orphanet 140162, MedGen C0027672, MeSH D009386, MONDO:0015356.
Familial cancer of breast. Also called: hereditary breast carcinoma; BREAST CANCER, FAMILIAL; Hereditary breast cancer. Identifiers: Orphanet 227535, MedGen C0346153, MONDO:0016419, OMIM 114480. Disease mechanism: loss of function.
Fanconi anemia complementation group J. Also called: BRIP1-Related Fanconi Anemia. Identifiers: Orphanet 84, MedGen C1836860, MONDO:0012187, OMIM 609054.

Allele frequency attached by ClinVar (database versions not stated): gnomAD exomes below 0.00001 and 0.00001; TOPMed below 0.00001.
gnomAD v4.1: 3 of 1,614,200 alleles (0.00019%); highest among the groups gnomAD compares: African/African-American, 0.0013%; no homozygotes.

Submissions (4):

Labcorp Genetics (formerly Invitae), Labcorp
Classification: Uncertain significance for Familial cancer of breast; Fanconi anemia complementation group J. Last evaluated: 2025-06-30. Review status: criteria provided, single submitter. Criteria: Invitae Variant Classification Sherloc (09022015). Collection method: clinical testing. Allele origin: germline.
Comment: This sequence change replaces cysteine, which is neutral and slightly polar, with arginine, which is basic and polar, at codon 661 of the BRIP1 protein (p.Cys661Arg). The frequency data for this variant in the population databases is considered unreliable, as metrics indicate poor data quality at this position in the gnomAD database. This missense change has been observed in individual(s) with breast and ovarian cancer (PMID: 26534844). ClinVar contains an entry for this variant (Variation ID: 645277). Invitae Evidence Modeling of protein sequence and biophysical properties (such as structural, functional, and spatial information, amino acid conservation, physicochemical variation, residue mobility, and thermodynamic stability) indicates that this missense variant is not expected to disrupt BRIP1 protein function with a negative predictive value of 95%. In summary, the available evidence is currently insufficient to determine the role of this variant in disease. Therefore, it has been classified as a Variant of Uncertain Significance.

Ambry Genetics
Classification: Uncertain significance for Hereditary cancer-predisposing syndrome. Last evaluated: 2024-08-29. Review status: criteria provided, single submitter. Criteria: Ambry Variant Classification Scheme 2023. Collection method: clinical testing. Allele origin: germline.
Comment: The p.C661R variant (also known as c.1981T>C), located in coding exon 13 of the BRIP1 gene, results from a T to C substitution at nucleotide position 1981. The cysteine at codon 661 is replaced by arginine, an amino acid with highly dissimilar properties. This variant was identified in a cohort of children with early T-cell precursor acute lymphoblastic leukemia (Zhang J et al. Nature, 2012 Jan;481:157-63). This variant has been reported in 1/1120 pediatric cancer patients who underwent whole genome sequencing and/or whole exome sequencing; this patient was diagnosed with T-cell acute lymphoblastic leukemia (Zhang J et al. N Engl J Med, 2015 Dec;373:2336-2346). This alteration was also detected in a cohort of 660 non-BRCA1/2 women with familial breast cancer (Li J et al. J Med Genet, 2016 Jan;53:34-42). This amino acid position is well conserved in available vertebrate species. In addition, this alteration is predicted to be deleterious by in silico analysis. Based on the available evidence, the clinical significance of this variant remains unclear.

GeneDx
Classification: Uncertain significance. Last evaluated: 2024-02-21. Review status: criteria provided, single submitter. Criteria: GeneDx Variant Classification Process June 2021. Collection method: clinical testing. Allele origin: germline. Affected: yes.
Comment: Not observed at significant frequency in large population cohorts (gnomAD); In silico analysis supports that this missense variant has a deleterious effect on protein structure/function; This variant is associated with the following publications: (PMID: 26534844, 26580448)

Cambridge Genomics Laboratory, East Genomic Laboratory Hub, NHS Genomic Medicine Service
Classification: Uncertain significance for Hereditary skin disorder. Last evaluated: 2020-06-08. Review status: criteria provided, single submitter. Criteria: ACGS Best Practice Guidelines for Variant Classification in Rare Disease 2020. Collection method: clinical testing. Allele origin: germline. Affected: yes. Observed: 1 variant allele.

Literature cited by the submitters: PubMed 26534844 (cited by Labcorp Genetics (formerly Invitae), Labcorp and Ambry Genetics); PubMed 22237106 (cited by Ambry Genetics); PubMed 26580448 (cited by Ambry Genetics).

NM_032043.3(BRIP1):c.1981T>C (p.Cys661Arg)

Gene: BRIP1 (BRCA1 interacting DNA helicase 1; minus strand). Cytogenetic location: 17q23.2.
Variant type: single nucleotide variant.
Coding change: c.1981T>C on transcript NM_032043.3 (MANE Select); coding-DNA position 1981, T replaced by C.
Protein change: p.Cys661Arg; replaces cysteine 661 with arginine.
Molecular consequence: missense variant.
Genome position (GRCh38, 1-based): chr17:61,776,517, A>G on the plus strand (T>C on the coding strand, the complement: BRIP1 is on the minus strand). VCF-style: chr17-61776517-A-G. GRCh37 (hg19) VCF-style: chr17-59853878-A-G.
Other names: short protein forms C661R.
Identifiers: ClinVar variation 645277 (VCV000645277.17), dbSNP rs876660402, ClinGen allele CA400478481.